The following is an entry in ClinVar:

NM_007126.5(VCP):c.2316-8G>A

Gene: VCP (valosin containing protein; minus strand). Cytogenetic location: 9p13.3.
Variant type: single nucleotide variant.
Coding change: c.2316-8G>A on transcript NM_007126.5 (MANE Select); 8 bases into the intron before coding-DNA position 2316, G replaced by A.
Molecular consequence: intron variant.
Genome position (GRCh38, 1-based): chr9:35,057,230, C>T on the plus strand (G>A on the coding strand, the complement: VCP is on the minus strand). VCF-style: chr9-35057230-C-T. GRCh37 (hg19) VCF-style: chr9-35057227-C-T.
Other names: p.?; c.2181-8G>A (NM_001354927.2, NM_001354928.2).
Identifiers: ClinVar variation 1106973 (VCV001106973.10), dbSNP rs1440311672, ClinGen allele CA587568712.
Genomic context (GRCh38, chr9:35,057,230, plus strand): 5'-CGCCTCCACTGCCCTGACTGGGGCCAGCTCCACCCTGGTTCCCTGAAGGGAATCTGTGTA[C>T]AAGAGCAAAGCCAAAAAAGAGGGTTAGGACAGGGCCTGTGTAAGATTTCCACAACTACCC-3'

ClinVar aggregate classification (germline): Likely benign. Review status: criteria provided, multiple submitters, no conflicts (2 of 4 stars). 2 submissions from 2 submitters: Likely benign (2). Last evaluated 2025-06-11.

Conditions:
Frontotemporal dementia and/or amyotrophic lateral sclerosis 6 (FTDALS6). Also called: VCP-Related Amyotrophic Lateral Sclerosis; VCP-Related Amyotrophic Lateral Sclerosis/Frontotemporal Dementia. Identifiers: Orphanet 275872, Orphanet 803, MedGen C5436279, MONDO:0013501, OMIM 613954.
Inclusion body myopathy with Paget disease of bone and frontotemporal dementia. Also called: Inclusion body myopathy with early-onset Paget disease and frontotemporal dementia. Identifiers: Orphanet 52430, MedGen C1833662, MONDO:0000507.

Allele frequency attached by ClinVar (database versions not stated): gnomAD 0.00001; TOPMed 0.00001.
gnomAD v4.1: 7 of 1,614,084 alleles (0.00043%); highest among the groups gnomAD compares: Non-Finnish European, 0.00059%; no homozygotes.

Submissions (2):

Labcorp Genetics (formerly Invitae), Labcorp
Classification: Likely benign for Inclusion body myopathy with Paget disease of bone and frontotemporal dementia; Frontotemporal dementia and/or amyotrophic lateral sclerosis 6. Last evaluated: 2025-06-11. Review status: criteria provided, single submitter. Criteria: Invitae Variant Classification Sherloc (09022015). Collection method: clinical testing. Allele origin: germline.

Mayo Clinic Laboratories, Mayo Clinic
Classification: Likely benign. Last evaluated: 2024-12-30. Review status: criteria provided, single submitter. Criteria: ACMG Guidelines, 2015. Collection method: clinical testing. Allele origin: germline. Observed: 1 variant allele.
Comment: BP4, BP7